The following is an entry in ClinVar:

NM_138694.4(PKHD1):c.1964+17G>T

Gene: PKHD1 (PKHD1 ciliary IPT domain containing fibrocystin/polyductin; minus strand). Cytogenetic location: 6p12.2.
Variant type: single nucleotide variant.
Coding change: c.1964+17G>T on transcript NM_138694.4 (MANE Select); 17 bases into the intron after coding-DNA position 1964, G replaced by T.
Molecular consequence: intron variant.
Genome position (GRCh38, 1-based): chr6:52,054,021, C>A on the plus strand (G>T on the coding strand, the complement: PKHD1 is on the minus strand). VCF-style: chr6-52054021-C-A. GRCh37 (hg19) VCF-style: chr6-51918819-C-A.
Other names: p.?; c.1964+17G>T (NM_170724.3).
Identifiers: ClinVar variation 96382 (VCV000096382.41), dbSNP rs201349527, ClinGen allele CA149495.

ClinVar aggregate classification (germline): Conflicting classifications of pathogenicity. Review status: criteria provided, conflicting classifications (1 of 4 stars). 8 submissions from 8 submitters: Uncertain significance (2); Benign (2); Likely benign (3). 1 of the submissions does not count toward it. Last evaluated 2026-09-01.

Conditions:
PKHD1-related disorder. Also called: PKHD1-related condition.
Inborn genetic diseases. Identifiers: MedGen C0950123, MeSH D030342.
Autosomal recessive polycystic kidney disease (ARPKD). Also called: AR polycystic kidney disease. Identifiers: Orphanet 731, Orphanet 8378, MedGen C0085548, MeSH D017044, MONDO:0009889.

Allele frequency attached by ClinVar (database versions not stated): 1000 Genomes Project 30x 0.00203; 1000 Genomes Project 0.00240; TOPMed 0.00444; gnomAD 0.00517 and 0.00529; ExAC 0.00552; gnomAD exomes 0.00559 and 0.00703; ESP Exome Variant Server 0.00607.
gnomAD v4.1: 11,020 of 1,613,548 alleles (0.68%); highest among the groups gnomAD compares: Non-Finnish European, 0.78%; 62 homozygotes.

Submissions (8):

CeGaT Center for Human Genetics Tuebingen
Classification: Likely benign. Last evaluated: 2026-09-01. Review status: criteria provided, single submitter. Criteria: CeGaT Center For Human Genetics Tuebingen Variant Classification Criteria Version 2. Collection method: clinical testing. Allele origin: germline. Affected: yes. Observed: 21 variant alleles.
Comment: PKHD1: PP3, BS2

Ambry Genetics
Classification: Uncertain significance for Inborn genetic diseases. Last evaluated: 2026-07-27. Review status: criteria provided, single submitter. Criteria: Ambry Variant Classification Scheme 2023. Collection method: clinical testing. Allele origin: germline.
Comment: The c.1964+17G>T intronic variant consists of a G to T substitution 17 nucleotides after exon 20 (coding exon 19) in the PKHD1 gene. Based on data from gnomAD, the T allele has an overall frequency of 0.575% (1623/282220) total alleles studied. The highest observed frequency was 0.869% (90/10358) of Ashkenazi Jewish alleles. This variant has been identified in the homozygous state and/or in conjunction with other PKHD1 variant(s) in individual(s) with features consistent with PKHD1-related polycystic kidney disease (Doreille, 2023). This nucleotide position is not well conserved in available vertebrate species. In silico splice site analysis predicts that this alteration will result in the creation or strengthening of a novel splice donor site. Based on insufficient or conflicting evidence, the clinical significance of this alteration remains unclear.

Labcorp Genetics (formerly Invitae), Labcorp
Classification: Benign for Autosomal recessive polycystic kidney disease. Last evaluated: 2026-02-04. Review status: criteria provided, single submitter. Criteria: Invitae Variant Classification Sherloc (09022015). Collection method: clinical testing. Allele origin: germline.

Mayo Clinic Laboratories, Mayo Clinic
Classification: Likely benign. Last evaluated: 2025-09-04. Review status: criteria provided, single submitter. Criteria: ACMG Guidelines, 2015. Collection method: clinical testing. Allele origin: germline. Observed: 6 variant alleles.
Comment: BS1, BS2, PP3

Blueprint Genetics
Classification: Likely benign. Last evaluated: 2024-11-21. Review status: criteria provided, single submitter. Criteria: ACMG Guidelines, 2015. Collection method: clinical testing. Allele origin: germline.

Women's Health and Genetics/Laboratory Corporation of America, LabCorp
Classification: Uncertain significance. Last evaluated: 2016-08-01. Review status: criteria provided, single submitter. Criteria: LabCorp Variant Classification Summary - May 2015. Collection method: clinical testing. Allele origin: germline.
Comment: Variant summary: The PKHD1 c.1964+17G>T variant involves the alteration of a non-conserved intronic nucleotide. One in silico tool predicts a benign outcome for this variant. 5/5 splice prediction tools predict no significant impact on the canonical splice donor site, but 4/5 splice prediction tools predict the gain of cryptic splice donor sites. ESEfinder predicts a gain of a binding motif for splicing enhancer SRp55. However, these predictions have yet to be confirmed by functional studies. This variant was found in 674/121292 control chromosomes (4 homozygotes), predominantly observed in the European (Non-Finnish) subpopulation at a frequency of 0.0074681 (497/66550). This frequency is about 1.1 times the estimated maximal expected allele frequency of a pathogenic PKHD1 variant (0.0070711), suggesting this intronic variant may be a benign polymorphism found primarily in the non-Finnish Europeans. This variant was reported in at least one ARPKD patient without strong evidence for causality (Obeidova_BMC medical genetics_2015). In addition, one clinical diagnostic laboratory classified this variant as benign, without providing evidence to independently evaluate. Because of the limited clinical information and the lack of functional studies, the variant was classified as a variant of uncertain significance (VUS)-possibly benign until additional information becomes available.

Eurofins Ntd Llc (ga)
Classification: Benign. Last evaluated: 2013-06-14. Review status: criteria provided, single submitter. Criteria: EGL Classification Definitions 2015. Collection method: clinical testing. Allele origin: germline. Observed: 3 variant alleles, 2 heterozygotes, 1 homozygote.

PreventionGenetics, part of Exact Sciences
Classification: Benign for PKHD1-related condition. Last evaluated: 2021-08-30. Review status: no assertion criteria provided. Collection method: clinical testing. Allele origin: germline. Not counted in ClinVar's aggregate classification.
Comment: This variant is classified as benign based on ACMG/AMP sequence variant interpretation guidelines (Richards et al. 2015 PMID: 25741868, with internal and published modifications).

Literature cited by the submitters: PubMed 36938085 (cited by Ambry Genetics and Mayo Clinic Laboratories, Mayo Clinic); PubMed 15108277 (cited by Mayo Clinic Laboratories, Mayo Clinic and Women's Health and Genetics/Laboratory Corporation of America, LabCorp); PubMed 16133180 (cited by Mayo Clinic Laboratories, Mayo Clinic and Women's Health and Genetics/Laboratory Corporation of America, LabCorp); PubMed 26695994 (cited by Mayo Clinic Laboratories, Mayo Clinic and Women's Health and Genetics/Laboratory Corporation of America, LabCorp).